The following is an entry in ClinVar:

ClinVar aggregate classification (germline): Benign/Likely benign. Review status: criteria provided, multiple submitters, no conflicts (2 of 4 stars). 2 submissions from 2 submitters: Benign (1); Likely benign (1). Last evaluated 2019-12-31.

Conditions:
Platelet-type bleeding disorder 9 (BDPLT9). Also called: GLYCOPROTEIN Ia DEFICIENCY; GP Ia DEFICIENCY; COLLAGEN PLATELET RECEPTOR DEFICIENCY. Identifiers: Orphanet 73271, Orphanet 98886, MedGen C3280114, MONDO:0013622, OMIM 614200.

Allele frequency attached by ClinVar (database versions not stated): ESP Exome Variant Server 0.00031; gnomAD 0.00096; TOPMed 0.00130; 1000 Genomes Project 30x 0.00422; 1000 Genomes Project 0.00499.
gnomAD v4.1: 1,944 of 1,612,786 alleles (0.12%); highest among the groups gnomAD compares: East Asian, 3.9%; 46 homozygotes.

Submissions (2):

Labcorp Genetics (formerly Invitae), Labcorp
Classification: Benign. Last evaluated: 2019-12-31. Review status: criteria provided, single submitter. Criteria: Invitae Variant Classification Sherloc (09022015). Collection method: clinical testing. Allele origin: germline.

Illumina Laboratory Services, Illumina
Classification: Likely benign for Platelet-type bleeding disorder 9. Last evaluated: 2017-04-27. Review status: criteria provided, single submitter. Criteria: ICSL Variant Classification Criteria 13 December 2019. Collection method: clinical testing. Allele origin: germline.
Comment: This variant was observed as part of a predisposition screen in an ostensibly healthy population. A literature search was performed for the gene, cDNA change, and amino acid change (where applicable). No publications were found based on this search. Allele frequency data from public databases allowed determination this variant is unlikely to cause disease. Therefore, this variant is classified as likely benign.

NM_002203.4(ITGA2):c.2780A>G (p.Asn927Ser)

Gene: ITGA2 (integrin subunit alpha 2; plus strand). Cytogenetic location: 5q11.2.
Variant type: single nucleotide variant.
Coding change: c.2780A>G on transcript NM_002203.4 (MANE Select); coding-DNA position 2780, A replaced by G.
Protein change: p.Asn927Ser; replaces asparagine 927 with serine.
Molecular consequence: missense variant. On other transcripts: non-coding transcript variant (5).
Genome position (GRCh38, 1-based): chr5:53,075,259, A>G. VCF-style: chr5-53075259-A-G. GRCh37 (hg19) VCF-style: chr5-52371089-A-G.
Other names: short protein forms N927S.
Identifiers: ClinVar variation 353774 (VCV000353774.9), dbSNP rs2287870, ClinGen allele CA3263307.